The following is an entry in ClinVar:

NM_001077653.2(TBX20):c.94A>G (p.Lys32Glu)

Gene: TBX20 (T-box transcription factor 20; minus strand). Cytogenetic location: 7p14.2.
Variant type: single nucleotide variant.
Coding change: c.94A>G on transcript NM_001077653.2 (MANE Select); coding-DNA position 94, A replaced by G.
Protein change: p.Lys32Glu; replaces lysine 32 with glutamic acid.
Molecular consequence: missense variant.
Genome position (GRCh38, 1-based): chr7:35,253,527, T>C on the plus strand (A>G on the coding strand, the complement: TBX20 is on the minus strand). VCF-style: chr7-35253527-T-C. GRCh37 (hg19) VCF-style: chr7-35293138-T-C.
Other names: c.94A>G, p.Lys32Glu (NM_001166220.1); short protein forms K32E.
Identifiers: ClinVar variation 4615073 (VCV004615073.2).
Genomic context (GRCh38, chr7:35,253,527, plus strand): 5'-GGCGGACAGCCGGGTAGCCCAACTTACCCAGGGGTTTGATTGTGTTCTCCGTCGCCTCCT[T>C]CTCCTTAGAGCCGCCGCTCGACATGAGCGCGGCAATGGAGAAGGCGTTGGCCCGAGAGGA-3'
Protein context (NP_001071121.1, residues 22-42): ALMSSGGSKE[Lys32Glu]EATENTIKPL

ClinVar aggregate classification (germline): Uncertain significance. Review status: criteria provided, multiple submitters, no conflicts (2 of 4 stars). 2 submissions from 2 submitters: Uncertain significance (2). Last evaluated 2025-10-14.

Conditions:
Cardiovascular phenotype. Identifiers: MedGen CN230736.

Submissions (2):

Ambry Genetics
Classification: Uncertain significance for Cardiovascular phenotype. Last evaluated: 2025-10-14. Review status: criteria provided, single submitter. Criteria: Ambry Variant Classification Scheme 2023. Collection method: clinical testing. Allele origin: germline.

Labcorp Genetics (formerly Invitae), Labcorp
Classification: Uncertain significance. Last evaluated: 2025-04-09. Review status: criteria provided, single submitter. Criteria: Invitae Variant Classification Sherloc (09022015). Collection method: clinical testing. Allele origin: germline.
Comment: This sequence change replaces lysine, which is basic and polar, with glutamic acid, which is acidic and polar, at codon 32 of the TBX20 protein (p.Lys32Glu). This variant is not present in population databases (gnomAD no frequency). This variant has not been reported in the literature in individuals affected with TBX20-related conditions. An algorithm developed to predict the effect of missense changes on protein structure and function (PolyPhen-2) suggests that this variant is likely to be tolerated. In summary, the available evidence is currently insufficient to determine the role of this variant in disease. Therefore, it has been classified as a Variant of Uncertain Significance.